The following is an entry in ClinVar:

NM_012062.5(DNM1L):c.1586C>T (p.Ser529Leu)

Gene: DNM1L (dynamin 1 like; plus strand). Cytogenetic location: 12p11.21.
Variant type: single nucleotide variant.
Coding change: c.1586C>T on transcript NM_012062.5 (MANE Select); coding-DNA position 1586, C replaced by T.
Protein change: p.Ser529Leu; replaces serine 529 with leucine.
Molecular consequence: missense variant.
Genome position (GRCh38, 1-based): chr12:32,737,151, C>T. VCF-style: chr12-32737151-C-T. GRCh37 (hg19) VCF-style: chr12-32890085-C-T.
Other names: c.1586C>T, p.Ser529Leu (NM_001278463.2, NM_005690.5, NM_012063.4); c.1625C>T, p.Ser542Leu (NM_001278464.2, NM_001278465.2, NM_001330380.2); c.977C>T, p.Ser326Leu (NM_001278466.2); short protein forms S326L, S529L, S542L.
Identifiers: ClinVar variation 2112385 (VCV002112385.4), dbSNP rs2541105155, ClinGen allele CA384360759.

ClinVar aggregate classification (germline): Uncertain significance (1 of 4 stars; one submission).

Allele frequency attached by ClinVar (database versions not stated): gnomAD exomes 0.00001.
gnomAD v4.1: 7 of 1,613,650 alleles (0.00043%); highest among the groups gnomAD compares: Non-Finnish European, 0.00059%; no homozygotes.

Submission:

Labcorp Genetics (formerly Invitae), Labcorp
Classification: Uncertain significance. Last evaluated: 2022-03-15. Review status: criteria provided, single submitter. Criteria: Invitae Variant Classification Sherloc (09022015). Collection method: clinical testing. Allele origin: germline.
Comment: In summary, the available evidence is currently insufficient to determine the role of this variant in disease. Therefore, it has been classified as a Variant of Uncertain Significance. Algorithms developed to predict the effect of missense changes on protein structure and function (SIFT, PolyPhen-2, Align-GVGD) all suggest that this variant is likely to be tolerated. This variant has not been reported in the literature in individuals affected with DNM1L-related conditions. This variant is not present in population databases (gnomAD no frequency). This sequence change replaces serine, which is neutral and polar, with leucine, which is neutral and non-polar, at codon 529 of the DNM1L protein (p.Ser529Leu).